The following is an entry in ClinVar:

ClinVar aggregate classification (germline): Likely benign. Review status: criteria provided, multiple submitters, no conflicts (2 of 4 stars). 2 submissions from 2 submitters: Likely benign (2). Last evaluated 2026-05-13.

gnomAD v4.1: 5 of 1,600,036 alleles (0.00031%); highest among the groups gnomAD compares: African/African-American, 0.004%; no homozygotes.

Submissions (2):

Women's Health and Genetics/Laboratory Corporation of America, LabCorp
Classification: Likely benign. Last evaluated: 2026-05-13. Review status: criteria provided, single submitter. Criteria: LabCorp Variant Classification Summary - May 2015. Collection method: clinical testing. Allele origin: germline.
Comment: Variant summary: KMT2C c.3709C>A alters a non-conserved nucleotide resulting in a synonymous change. Consensus agreement among computation tools predict no significant impact on normal splicing. However, these predictions have yet to be confirmed by functional studies. The variant was absent in 250958 control chromosomes. The available data on variant occurrences in the general population are insufficient to allow any conclusion about variant significance. To our knowledge, no occurrence of c.3709C>A in individuals affected with KMT2C-related conditions and no experimental evidence demonstrating its impact on protein function have been reported. No submitters have cited clinical-significance assessments for this variant to ClinVar. Based on the evidence outlined above, the variant was classified as likely benign.

Blueprint Genetics
Classification: Likely benign. Last evaluated: 2022-11-28. Review status: criteria provided, single submitter. Criteria: ACMG Guidelines, 2015. Collection method: clinical testing. Allele origin: germline.

NM_170606.3(KMT2C):c.3709C>A (p.Arg1237=)

Gene: KMT2C (lysine methyltransferase 2C; minus strand). Cytogenetic location: 7q36.1.
Variant type: single nucleotide variant.
Coding change: c.3709C>A on transcript NM_170606.3 (MANE Select); coding-DNA position 3709, C replaced by A.
Protein change: p.Arg1237=; no amino-acid change (arginine 1237 retained).
Molecular consequence: synonymous variant.
Genome position (GRCh38, 1-based): chr7:152,220,526, G>T on the plus strand (C>A on the coding strand, the complement: KMT2C is on the minus strand). VCF-style: chr7-152220526-G-T. GRCh37 (hg19) VCF-style: chr7-151917611-G-T.
Identifiers: ClinVar variation 4853135 (VCV004853135.2).